The following is an entry in ClinVar:

NM_001743.6(CALM2):c.421+3A>G

Gene: CALM2 (calmodulin 2; minus strand). Cytogenetic location: 2p21.
Variant type: single nucleotide variant.
Coding change: c.421+3A>G on transcript NM_001743.6 (MANE Select); 3 bases into the intron after coding-DNA position 421, A replaced by G.
Molecular consequence: intron variant.
Genome position (GRCh38, 1-based): chr2:47,161,720, T>C on the plus strand (A>G on the coding strand, the complement: CALM2 is on the minus strand). VCF-style: chr2-47161720-T-C. GRCh37 (hg19) VCF-style: chr2-47388859-T-C.
Other names: p.?; c.421+3A>G (NM_001743.4); c.565+3A>G (NM_001305624.1); c.313+3A>G (NM_001305626.1, NM_001305625.2).
Identifiers: ClinVar variation 1043752 (VCV001043752.10), dbSNP rs372947059, ClinGen allele CA1648539.
Genomic context (GRCh38, chr2:47,161,720, plus strand): 5'-AACAAAGAGCCTCTTATCTTAAAAATCAAAGTGAAGAATGAGGCGTGAGACTGAAACATT[T>C]ACCTTCATAGTTTACTTGACCATCACCATCAATATCTGCTTCCCTGATCATTTCATCAAC-3'

ClinVar aggregate classification (germline): Conflicting classifications of pathogenicity. Review status: criteria provided, conflicting classifications (1 of 4 stars). 3 submissions from 3 submitters: Uncertain significance (2); Benign (1). Last evaluated 2025-01-23.

Conditions:
Cardiovascular phenotype. Identifiers: MedGen CN230736.
Long QT syndrome 1 (LQT1). Identifiers: Orphanet 101016, Orphanet 768, MedGen C4551647, MONDO:0100316, OMIM 192500, MONDO:0008646.

Allele frequency attached by ClinVar (database versions not stated): gnomAD exomes 0.00002 and 0.00003; ExAC 0.00003; gnomAD 0.00005; TOPMed 0.00005; ESP Exome Variant Server 0.00008.
gnomAD v4.1: 44 of 1,608,144 alleles (0.0027%); highest among the groups gnomAD compares: Non-Finnish European, 0.0036%; no homozygotes.

Submissions (3):

Labcorp Genetics (formerly Invitae), Labcorp
Classification: Uncertain significance for Long QT syndrome 1. Last evaluated: 2025-01-23. Review status: criteria provided, single submitter. Criteria: Invitae Variant Classification Sherloc (09022015). Collection method: clinical testing. Allele origin: germline.
Comment: This sequence change falls in intron 5 of the CALM2 gene. It does not directly change the encoded amino acid sequence of the CALM2 protein. It affects a nucleotide within the consensus splice site. This variant is present in population databases (rs372947059, gnomAD 0.006%). This variant has not been reported in the literature in individuals affected with CALM2-related conditions. ClinVar contains an entry for this variant (Variation ID: 1043752). Variants that disrupt the consensus splice site are a relatively common cause of aberrant splicing (PMID: 17576681, 9536098). Algorithms developed to predict the effect of sequence changes on RNA splicing suggest that this variant is not likely to affect RNA splicing. In summary, the available evidence is currently insufficient to determine the role of this variant in disease. Therefore, it has been classified as a Variant of Uncertain Significance.

Ambry Genetics
Classification: Benign for Cardiovascular phenotype. Last evaluated: 2024-12-20. Review status: criteria provided, single submitter. Criteria: Ambry Variant Classification Scheme 2023. Collection method: clinical testing. Allele origin: germline.

Mayo Clinic Laboratories, Mayo Clinic
Classification: Uncertain significance. Last evaluated: 2023-08-24. Review status: criteria provided, single submitter. Criteria: ACMG Guidelines, 2015. Collection method: clinical testing. Allele origin: germline. Observed: 1 variant allele.

Literature cited by the submitters: PubMed 17576681 (cited by Labcorp Genetics (formerly Invitae), Labcorp); PubMed 9536098 (cited by Labcorp Genetics (formerly Invitae), Labcorp).